The following is an entry in ClinVar:

ClinVar aggregate classification (germline): Uncertain significance (1 of 4 stars; one submission).

Allele frequency attached by ClinVar (database versions not stated): gnomAD exomes below 0.00001; ExAC 0.00001; gnomAD 0.00001; TOPMed 0.00001.
gnomAD v4.1: 8 of 1,606,382 alleles (0.0005%); highest among the groups gnomAD compares: African/African-American, 0.0013%; no homozygotes.

Submission:

Labcorp Genetics (formerly Invitae), Labcorp
Classification: Uncertain significance. Last evaluated: 2024-05-21. Review status: criteria provided, single submitter. Criteria: Invitae Variant Classification Sherloc (09022015). Collection method: clinical testing. Allele origin: germline.
Comment: This sequence change replaces arginine, which is basic and polar, with tryptophan, which is neutral and slightly polar, at codon 2224 of the SON protein (p.Arg2224Trp). This variant is present in population databases (rs763262199, gnomAD 0.004%). This variant has not been reported in the literature in individuals affected with SON-related conditions. Experimental studies and prediction algorithms are not available or were not evaluated, and the functional significance of this variant is currently unknown. In summary, the available evidence is currently insufficient to determine the role of this variant in disease. Therefore, it has been classified as a Variant of Uncertain Significance.

NM_138927.4(SON):c.6657+114C>T

Gene: SON (SON DNA and RNA binding protein; plus strand). Cytogenetic location: 21q22.11.
Variant type: single nucleotide variant.
Coding change: c.6657+114C>T on transcript NM_138927.4 (MANE Select); 114 bases into the intron after coding-DNA position 6657, C replaced by T.
Molecular consequence: intron variant. On other transcripts: missense variant (1).
Genome position (GRCh38, 1-based): chr21:33,559,889, C>T. VCF-style: chr21-33559889-C-T. GRCh37 (hg19) VCF-style: chr21-34932195-C-T.
Other names: c.6670C>T, p.Arg2224Trp (NM_032195.3); c.741+114C>T (NM_001291412.3); short protein forms R2224W.
Identifiers: ClinVar variation 2867338 (VCV002867338.3), dbSNP rs763262199, ClinGen allele CA10009998.